The following is an entry in ClinVar:

ClinVar aggregate classification (germline): Uncertain significance (1 of 4 stars; one submission).

Conditions:
Familial cancer of breast. Also called: Hereditary breast cancer; BREAST CANCER, FAMILIAL; hereditary breast carcinoma. Identifiers: Orphanet 227535, MedGen C0346153, MONDO:0016419, OMIM 114480. Disease mechanism: loss of function.

Submission:

Labcorp Genetics (formerly Invitae), Labcorp
Classification: Uncertain significance for Familial cancer of breast. Last evaluated: 2024-11-19. Review status: criteria provided, single submitter. Criteria: Invitae Variant Classification Sherloc (09022015). Collection method: clinical testing. Allele origin: germline.
Comment: This sequence change replaces alanine, which is neutral and non-polar, with serine, which is neutral and polar, at codon 38 of the PALB2 protein (p.Ala38Ser). This variant is not present in population databases (gnomAD no frequency). This variant has not been reported in the literature in individuals affected with PALB2-related conditions. An algorithm developed to predict the effect of missense changes on protein structure and function outputs the following: PolyPhen-2: "Possibly Damaging". The serine amino acid residue is found in multiple mammalian species, which suggests that this missense change does not adversely affect protein function. In summary, the available evidence is currently insufficient to determine the role of this variant in disease. Therefore, it has been classified as a Variant of Uncertain Significance.

NM_024675.4(PALB2):c.112G>T (p.Ala38Ser)

Gene: PALB2 (partner and localizer of BRCA2; minus strand). Cytogenetic location: 16p12.2.
Variant type: single nucleotide variant.
Coding change: c.112G>T on transcript NM_024675.4 (MANE Select); coding-DNA position 112, G replaced by T.
Protein change: p.Ala38Ser; replaces alanine 38 with serine.
Molecular consequence: missense variant. On other transcripts: 5 prime UTR variant (8), intron variant (3).
Genome position (GRCh38, 1-based): chr16:23,637,949, C>A on the plus strand (G>T on the coding strand, the complement: PALB2 is on the minus strand). VCF-style: chr16-23637949-C-A. GRCh37 (hg19) VCF-style: chr16-23649270-C-A.
Other names: c.52G>T, p.Ala18Ser (NM_001407296.1); c.112G>T, p.Ala38Ser (NM_001407297.1, NM_001407298.1, NM_001407299.1 and 3 more transcripts); c.-774G>T (NM_001407304.1, NM_001407305.1, NM_001407306.1 and 5 more transcripts); c.48+3161G>T (NM_001407314.1); c.-105+3161G>T (NM_001407313.1, NM_001407312.1); short protein forms A18S, A38S.
Identifiers: ClinVar variation 3725630 (VCV003725630.2).